The following is an entry in ClinVar:

NM_002430.3(MN1):c.3724G>T (p.Asp1242Tyr)

Gene: MN1 (MN1 proto-oncogene, transcriptional regulator; minus strand). Cytogenetic location: 22q12.1.
Variant type: single nucleotide variant.
Coding change: c.3724G>T on transcript NM_002430.3 (MANE Select); coding-DNA position 3724, G replaced by T.
Protein change: p.Asp1242Tyr; replaces aspartic acid 1242 with tyrosine.
Molecular consequence: missense variant.
Genome position (GRCh38, 1-based): chr22:27,796,820, C>A on the plus strand (G>T on the coding strand, the complement: MN1 is on the minus strand). VCF-style: chr22-27796820-C-A. GRCh37 (hg19) VCF-style: chr22-28192808-C-A.
Other names: short protein forms D1242Y.
Identifiers: ClinVar variation 4686335 (VCV004686335.1).

ClinVar aggregate classification (germline): Uncertain significance (1 of 4 stars; one submission).

Submission:

GeneDx
Classification: Uncertain significance. Last evaluated: 2025-07-10. Review status: criteria provided, single submitter. Criteria: GeneDx Variant Classification Process June 2021. Collection method: clinical testing. Allele origin: germline. Affected: yes.
Comment: Not observed at significant frequency in large population cohorts (gnomAD); In silico analysis supports that this missense variant has a deleterious effect on protein structure/function; Has not been previously published as pathogenic or benign to our knowledge